The following is an entry in ClinVar:

ClinVar aggregate classification (germline): Uncertain significance (1 of 4 stars; one submission).

Allele frequency attached by ClinVar (database versions not stated): TOPMed below 0.00001; gnomAD 0.00001; gnomAD exomes 0.00001; ExAC 0.00002.
gnomAD v4.1: 6 of 1,613,654 alleles (0.00037%); highest among the groups gnomAD compares: Non-Finnish European, 0.00042%; no homozygotes.

Submission:

Labcorp Genetics (formerly Invitae), Labcorp
Classification: Uncertain significance. Last evaluated: 2022-12-13. Review status: criteria provided, single submitter. Criteria: Invitae Variant Classification Sherloc (09022015). Collection method: clinical testing. Allele origin: germline.
Comment: Algorithms developed to predict the effect of missense changes on protein structure and function are either unavailable or do not agree on the potential impact of this missense change (SIFT: "Deleterious"; PolyPhen-2: "Benign"; Align-GVGD: "Class C0"). In summary, the available evidence is currently insufficient to determine the role of this variant in disease. Therefore, it has been classified as a Variant of Uncertain Significance. This variant has not been reported in the literature in individuals affected with RIMS1-related conditions. This variant is present in population databases (rs767476134, gnomAD 0.002%). This sequence change replaces valine, which is neutral and non-polar, with alanine, which is neutral and non-polar, at codon 1206 of the RIMS1 protein (p.Val1206Ala).

NM_014989.7(RIMS1):c.3617T>C (p.Val1206Ala)

Gene: RIMS1 (regulating synaptic membrane exocytosis 1; plus strand). Cytogenetic location: 6q13.
Variant type: single nucleotide variant.
Coding change: c.3617T>C on transcript NM_014989.7 (MANE Select); coding-DNA position 3617, T replaced by C.
Protein change: p.Val1206Ala; replaces valine 1206 with alanine.
Molecular consequence: missense variant. On other transcripts: intron variant (56).
Genome position (GRCh38, 1-based): chr6:72,290,741, T>C. VCF-style: chr6-72290741-T-C. GRCh37 (hg19) VCF-style: chr6-73000444-T-C.
Other names: c.1691T>C, p.Val564Ala (NM_001350420.2); c.1673T>C, p.Val558Ala (NM_001350431.2); c.1760T>C, p.Val587Ala (NM_001350438.2, NM_001350456.2); c.1763T>C, p.Val588Ala (NM_001350442.2, NM_001350446.2); c.1622T>C, p.Val541Ala (NM_001350462.2); c.1632-1193T>C (NM_001350428.2); c.1629-1193T>C (NM_001168408.2, NM_001350452.2, NM_001350430.2 and 2 more transcripts); c.1638-1193T>C (NM_001350457.2); and 31 more; short protein forms V564A, V1206A, V541A, V558A, V588A, V587A.
Identifiers: ClinVar variation 2820550 (VCV002820550.3), dbSNP rs767476134, ClinGen allele CA3886303.